The following is an entry in ClinVar:

NM_001097577.3(ANG):c.232A>G (p.Lys78Glu)

Genes: ANG (angiogenin; plus strand), EGILA (EGFR interacting lncRNA; minus strand), RNASE4 (ribonuclease A family member 4; plus strand). Cytogenetic location: 14q11.2.
Variant type: single nucleotide variant.
Coding change: c.232A>G on transcript NM_001097577.3 (MANE Select); coding-DNA position 232, A replaced by G.
Protein change: p.Lys78Glu; replaces lysine 78 with glutamic acid.
Molecular consequence: missense variant. On other transcripts: intron variant (4).
Genome position (GRCh38, 1-based): chr14:20,693,796, A>G. VCF-style: chr14-20693796-A-G. GRCh37 (hg19) VCF-style: chr14-21161955-A-G.
Other names: c.-18+146A>G (NM_001282192.2); c.-17-5559A>G (NM_002937.5, NM_001282193.2); c.-18+4922A>G (NM_194431.3); c.232A>G, p.Lys78Glu (NM_001145.4, NM_001385271.1, NM_001385272.1 and 2 more transcripts); short protein forms K78E.
Identifiers: ClinVar variation 493139 (VCV000493139.47), dbSNP rs141055235, ClinGen allele CA7083161.

ClinVar aggregate classification (germline): Uncertain significance. Review status: criteria provided, multiple submitters, no conflicts (2 of 4 stars). 3 submissions from 3 submitters: Uncertain significance (3). Last evaluated 2025-08-29.

Allele frequency attached by ClinVar (database versions not stated): gnomAD 0.00005; TOPMed 0.00006; ESP Exome Variant Server 0.00008; gnomAD exomes 0.00010 and 0.00017; ExAC 0.00021.
gnomAD v4.1: 154 of 1,614,232 alleles (0.0095%); highest among the groups gnomAD compares: Non-Finnish European, 0.011%; no homozygotes.

Submissions (3):

Athena Diagnostics
Classification: Uncertain significance. Last evaluated: 2025-08-29. Review status: criteria provided, single submitter. Criteria: Athena Diagnostics Criteria. Collection method: clinical testing. Allele origin: unknown.
Comment: Available data are insufficient to determine the clinical significance of the variant at this time. The frequency of this variant in the general population is higher than would generally be expected for pathogenic variants in this gene. Assessment of experimental evidence regarding the effect of this variant on protein function is inconclusive (PMID: 23047679, 28176817). In some published literature, this variant is referred to as K54E.

Labcorp Genetics (formerly Invitae), Labcorp
Classification: Uncertain significance. Last evaluated: 2025-08-11. Review status: criteria provided, single submitter. Criteria: Invitae Variant Classification Sherloc (09022015). Collection method: clinical testing. Allele origin: germline.
Comment: This sequence change replaces lysine, which is basic and polar, with glutamic acid, which is acidic and polar, at codon 78 of the ANG protein (p.Lys78Glu). This variant is present in population databases (rs141055235, gnomAD 0.03%), and has an allele count higher than expected for a pathogenic variant. This missense change has been observed in individual(s) with clinical features of amyotrophic lateral sclerosis (PMID: 20577002, 22190368, 23228179, 28430856). This variant is also known as K54E. ClinVar contains an entry for this variant (Variation ID: 493139). An algorithm developed to predict the effect of missense changes on protein structure and function (PolyPhen-2) suggests that this variant is likely to be disruptive. Experimental studies are conflicting or provide insufficient evidence to determine the effect of this variant on ANG function (PMID: 23047679). In summary, the available evidence is currently insufficient to determine the role of this variant in disease. Therefore, it has been classified as a Variant of Uncertain Significance.

CeGaT Center for Human Genetics Tuebingen
Classification: Uncertain significance. Last evaluated: 2017-11-01. Review status: criteria provided, single submitter. Criteria: CeGaT Center For Human Genetics Tuebingen Variant Classification Criteria Version 2. Collection method: clinical testing. Allele origin: germline. Affected: yes. Observed: 1 variant allele.

Literature cited by the submitters: PubMed 19363631 (cited by Athena Diagnostics); PubMed 20577002 (cited by Athena Diagnostics and Labcorp Genetics (formerly Invitae), Labcorp); PubMed 22190368 (cited by Athena Diagnostics and Labcorp Genetics (formerly Invitae), Labcorp); PubMed 22722621 (cited by Athena Diagnostics); PubMed 23228179 (cited by Athena Diagnostics and Labcorp Genetics (formerly Invitae), Labcorp); PubMed 28430856 (cited by Athena Diagnostics and Labcorp Genetics (formerly Invitae), Labcorp); PubMed 31086828 (cited by Athena Diagnostics); PubMed 23047679 (cited by Athena Diagnostics and Labcorp Genetics (formerly Invitae), Labcorp); PubMed 39044379 (cited by Athena Diagnostics); PubMed 28176817 (cited by Athena Diagnostics); PubMed 30270202 (cited by Athena Diagnostics); PubMed 28003435 (cited by Athena Diagnostics).